The following is an entry in ClinVar:

ClinVar aggregate classification (germline): Uncertain significance (1 of 4 stars; one submission).

Submission:

GeneDx
Classification: Uncertain significance. Last evaluated: 2024-06-05. Review status: criteria provided, single submitter. Criteria: GeneDx Variant Classification Process June 2021. Collection method: clinical testing. Allele origin: germline. Affected: yes.
Comment: Not observed at significant frequency in large population cohorts (gnomAD); In silico analysis supports that this missense variant has a deleterious effect on protein structure/function; Has not been previously published as pathogenic or benign to our knowledge

NM_000222.3(KIT):c.1958T>C (p.Ile653Thr)

Gene: KIT (KIT proto-oncogene, receptor tyrosine kinase; plus strand). Cytogenetic location: 4q12.
Variant type: single nucleotide variant.
Coding change: c.1958T>C on transcript NM_000222.3 (MANE Select); coding-DNA position 1958, T replaced by C.
Protein change: p.Ile653Thr; replaces isoleucine 653 with threonine.
Molecular consequence: missense variant.
Genome position (GRCh38, 1-based): chr4:54,728,089, T>C. VCF-style: chr4-54728089-T-C. GRCh37 (hg19) VCF-style: chr4-55594255-T-C.
Other names: c.1946T>C, p.Ile649Thr (NM_001093772.2, NM_001385286.1); c.1961T>C, p.Ile654Thr (NM_001385284.1, NM_001385290.1); c.1958T>C, p.Ile653Thr (NM_001385285.1); c.1949T>C, p.Ile650Thr (NM_001385288.1, NM_001385292.1); short protein forms I649T, I650T, I653T, I654T.
Identifiers: ClinVar variation 3384258 (VCV003384258.1).